The following is an entry in ClinVar:

ClinVar aggregate classification (germline): Uncertain significance (1 of 4 stars; one submission).

Conditions:
Epidermolysis bullosa simplex 3, localized or generalized intermediate, with BP230 deficiency (EBS3). Also called: Epidermolysis bullosa simplex, autosomal recessive 2; Epidermolysis bullosa simplex due to BP230 deficiency. Identifiers: Orphanet 412181, MedGen C3809470, MONDO:0014180, OMIM 615425.
Hereditary sensory and autonomic neuropathy type 6. Also called: HSAN VI; Neuropathy, hereditary sensory and autonomic, type VI. Identifiers: Orphanet 314381, MedGen C3539003, MONDO:0013839, OMIM 614653.

Submission:

Labcorp Genetics (formerly Invitae), Labcorp
Classification: Uncertain significance for Epidermolysis bullosa simplex 3, localized or generalized intermediate, with BP230 deficiency; Hereditary sensory and autonomic neuropathy type 6. Last evaluated: 2021-11-09. Review status: criteria provided, single submitter. Criteria: Invitae Variant Classification Sherloc (09022015). Collection method: clinical testing. Allele origin: germline.
Comment: In summary, the available evidence is currently insufficient to determine the role of this variant in disease. Therefore, it has been classified as a Variant of Uncertain Significance. Experimental studies and prediction algorithms are not available or were not evaluated, and the functional significance of this variant is currently unknown. This variant has not been reported in the literature in individuals affected with DST-related conditions. This variant is not present in population databases (gnomAD no frequency). This sequence change replaces asparagine, which is neutral and polar, with tyrosine, which is neutral and polar, at codon 3586 of the DST protein (p.Asn3586Tyr). The DST gene has multiple clinically relevant transcripts. This variant occurs in alternate transcript NM_015548.4, and corresponds to NM_001723.5:c.*80268G>A in the primary transcript.

NM_001374736.1(DST):c.16814G>A (p.Cys5605Tyr)

Gene: DST (dystonin; minus strand). Cytogenetic location: 6p12.1.
Variant type: single nucleotide variant.
Coding change: c.16814G>A on transcript NM_001374736.1 (MANE Select); coding-DNA position 16814, G replaced by A.
Protein change: p.Cys5605Tyr; replaces cysteine 5605 with tyrosine.
Molecular consequence: missense variant.
Genome position (GRCh38, 1-based): chr6:56,535,249, C>T on the plus strand (G>A on the coding strand, the complement: DST is on the minus strand). VCF-style: chr6-56535249-C-T. GRCh37 (hg19) VCF-style: chr6-56400047-C-T.
Other names: c.10457G>A, p.Cys3486Tyr (NM_001144769.5); c.10043G>A, p.Cys3348Tyr (NM_001144770.2); c.16814G>A, p.Cys5605Tyr (NM_001374722.1); c.16181G>A, p.Cys5394Tyr (NM_001374729.1); c.9923G>A, p.Cys3308Tyr (NM_001374730.1, NM_001386100.1, NM_183380.4); c.16841G>A, p.Cys5614Tyr (NM_001374734.1); c.8945G>A, p.Cys2982Tyr (NM_015548.5); short protein forms C5614Y, C3348Y, C5605Y, C3486Y, C2982Y, C3308Y, C5394Y.
Identifiers: ClinVar variation 1392252 (VCV001392252.6), dbSNP rs1198301994, ClinGen allele CA364511015.
Genomic context (GRCh38, chr6:56,535,249, plus strand): 5'-AGCTCCTCAGTGTCCACCATCCAGCTGAGCAGGGACTCCAGGGCATCCTGGAACCTCCCA[C>T]AGTGCAGCAAGGCCTCCTGCAGCTGGGCTGCTCGCTGAGCCACCTGCAAAGTGCCAATTG-3'
Protein context (NP_001361665.1, residues 5595-5615): AAQLQEALLH[Cys5605Tyr]GRFQDALESL